The following is an entry in ClinVar:

ClinVar aggregate classification (germline): Uncertain significance (1 of 4 stars; one submission).

Conditions:
Neurodevelopmental disorder. Identifiers: MedGen C1535926, MeSH D065886, MONDO:0700092.

Allele frequency attached by ClinVar (database versions not stated): gnomAD 0.00001.

Submission:

Victorian Clinical Genetics Services, Murdoch Childrens Research Institute
Classification: Uncertain significance for Neurodevelopmental disorder. Last evaluated: 2020-05-25. Review status: criteria provided, single submitter. Criteria: ACMG Guidelines, 2015. Collection method: clinical testing. Allele origin: germline. Inheritance: Autosomal dominant inheritance. Affected: yes.
Comment: Based on the classification scheme VCGS_Germline_v1.1.1, this variant is classified as 3C-VUS. Following criteria are met: 0102 - Loss-of-function is a known mechanism of disease for this gene. (N) 0107 - This gene is known to be associated with autosomal dominant disease. (N) 0212 - Non-canonical splice variant without proven consequence on splicing (no functional evidence available) (intron 15 of 15). (N) 0251 - Variant is heterozygous. (N) 0301 - Variant is absent from gnomAD. (P) 0506 - Abnormal splicing is not predicted and nucleotide is poorly conserved. (B) 0705 - No comparable variants have previous evidence for pathogenicity. (N) 0807 - Variant has not previously been reported in a clinical context. (N) 0905 - No segregation evidence has been identified for this variant, ie. no segregation studies published in literature. (N) 1007 - No published functional evidence has been identified for this variant. (N) 1208 - Inheritance information for this variant is not currently available. (N) Legend: (P) - Pathogenic, (N) - Neutral, (B) - Benign

NM_015355.4(SUZ12):c.1874+8A>G

Gene: SUZ12 (SUZ12 polycomb repressive complex 2 subunit; plus strand). Cytogenetic location: 17q11.2.
Variant type: single nucleotide variant.
Coding change: c.1874+8A>G on transcript NM_015355.4 (MANE Select); 8 bases into the intron after coding-DNA position 1874, A replaced by G.
Molecular consequence: intron variant.
Genome position (GRCh38, 1-based): chr17:31,996,885, A>G. VCF-style: chr17-31996885-A-G. GRCh37 (hg19) VCF-style: chr17-30323904-A-G.
Other names: c.1805+8A>G (NM_001321207.2).
Identifiers: ClinVar variation 1699058 (VCV001699058.3), dbSNP rs1910003061, ClinGen allele CA923726168.